The following is an entry in ClinVar:

NC_000015.9:g.(?_48802221)_(48936966_?)del

Gene: FBN1 (fibrillin 1; minus strand). Cytogenetic location: 15q21.1.
Variant type: Deletion.
Identifiers: ClinVar variation 1457135 (VCV001457135.4).

ClinVar aggregate classification (germline): Pathogenic (1 of 4 stars; one submission).

Conditions:
Marfan syndrome (MFS). Also called: MARFAN SYNDROME, TYPE I; Marfan syndrome type 1; Marfan's syndrome; Marfan syndrome, classic; FBN1-Related Marfan Syndrome. Identifiers: Orphanet 284963, Orphanet 558, MedGen C0024796, MONDO:0007947, OMIM 154700.
Familial thoracic aortic aneurysm and aortic dissection (TAAD). Also called: Thoracic aortic aneurysms and dissections. Identifiers: Orphanet 91387, MedGen C4707243, MONDO:0019625.

Submission:

Labcorp Genetics (formerly Invitae), Labcorp
Classification: Pathogenic for Marfan syndrome; Familial thoracic aortic aneurysm and aortic dissection. Last evaluated: 2021-05-18. Review status: criteria provided, single submitter. Criteria: Invitae Variant Classification Sherloc (09022015). Collection method: clinical testing. Allele origin: germline.
Comment: This variant is a gross deletion of the genomic region encompassing exon(s) 2-14 of the FBN1 gene, which includes the initiator codon. The 5' end of this event is unknown as it extends beyond the assayed region for this gene and therefore may encompass additional genes. The 3' boundary is likely confined to intron 14 of the FBN1 gene. It is expected to result in an absent or disrupted protein product. Loss-of-function variants in FBN1 are known to be pathogenic (PMID: 17657824, 19293843). This variant has not been reported in the literature in individuals with FBN1-related conditions. For these reasons, this variant has been classified as Pathogenic.

Literature cited by the submitters: PubMed 17657824; PubMed 19293843.